The following is an entry in ClinVar:

NM_021625.5(TRPV4):c.1780C>T (p.Arg594Cys)

Gene: TRPV4 (transient receptor potential cation channel subfamily V member 4; minus strand). Cytogenetic location: 12q24.11.
Variant type: single nucleotide variant.
Coding change: c.1780C>T on transcript NM_021625.5 (MANE Select); coding-DNA position 1780, C replaced by T.
Protein change: p.Arg594Cys; replaces arginine 594 with cysteine.
Molecular consequence: missense variant.
Genome position (GRCh38, 1-based): chr12:109,792,696, G>A on the plus strand (C>T on the coding strand, the complement: TRPV4 is on the minus strand). VCF-style: chr12-109792696-G-A. GRCh37 (hg19) VCF-style: chr12-110230501-G-A.
Other names: c.1639C>T, p.Arg547Cys (NM_001177428.2); c.1678C>T, p.Arg560Cys (NM_001177431.2); c.1459C>T, p.Arg487Cys (NM_001177433.2); c.1600C>T, p.Arg534Cys (NM_147204.3); short protein forms R487C, R594C, R560C, R534C, R547C.
Identifiers: ClinVar variation 1484191 (VCV001484191.9), dbSNP rs868185064, ClinGen allele CA243500142.

ClinVar aggregate classification (germline): Likely pathogenic. Review status: criteria provided, multiple submitters, no conflicts (2 of 4 stars). 2 submissions from 2 submitters: Likely pathogenic (2). Last evaluated 2025-10-29.

Conditions:
Charcot-Marie-Tooth disease axonal type 2C (HMSN2C). Also called: CHARCOT-MARIE-TOOTH DISEASE, AXONAL, AUTOSOMAL DOMINANT, TYPE 2C; Charcot-Marie-Tooth Neuropathy Type 2C; Charcot-Marie-Tooth Disease Type 2, TRPV4-Related (CMT2C). Identifiers: Orphanet 99937, MedGen C1853710, MONDO:0011633, OMIM 606071.

Allele frequency attached by ClinVar (database versions not stated): gnomAD exomes below 0.00001; TOPMed 0.00001; gnomAD 0.00001.
gnomAD v4.1: 3 of 1,614,022 alleles (0.00019%); highest among the groups gnomAD compares: Admixed American, 0.0017%; no homozygotes.

Submissions (2):

Labcorp Genetics (formerly Invitae), Labcorp
Classification: Likely pathogenic for Charcot-Marie-Tooth disease axonal type 2C. Last evaluated: 2025-10-29. Review status: criteria provided, single submitter. Criteria: Invitae Variant Classification Sherloc (09022015). Collection method: clinical testing. Allele origin: germline.
Comment: This sequence change replaces arginine, which is basic and polar, with cysteine, which is neutral and slightly polar, at codon 594 of the TRPV4 protein (p.Arg594Cys). This variant is not present in population databases (gnomAD no frequency). This missense change has been observed in individual(s) with clinical features of TRPV4-related conditions (PMID: 38702915). ClinVar contains an entry for this variant (Variation ID: 1484191). Invitae Evidence Modeling of protein sequence and biophysical properties (such as structural, functional, and spatial information, amino acid conservation, physicochemical variation, residue mobility, and thermodynamic stability) has been performed for this missense variant. However, the output from this modeling did not meet the statistical confidence thresholds required to predict the impact of this variant on TRPV4 protein function. This variant disrupts the p.Arg594 amino acid residue in TRPV4. Other variant(s) that disrupt this residue have been determined to be pathogenic (PMID: 19232556, 20503319, 20577006). This suggests that this residue is clinically significant, and that variants that disrupt this residue are likely to be disease-causing. In summary, the currently available evidence indicates that the variant is pathogenic, but additional data are needed to prove that conclusively. Therefore, this variant has been classified as Likely Pathogenic.

GeneDx
Classification: Likely pathogenic. Last evaluated: 2025-07-30. Review status: criteria provided, single submitter. Criteria: GeneDx Variant Classification Process June 2021. Collection method: clinical testing. Allele origin: germline.
Comment: Identified in a patient belonging to a cohort of individuals with skeletal disorders in published literature (PMID: 38702915) but additional evidence is not available; Published functional studies demonstrate that the variant does not have a significant damaging effect, but further studies are required (PMID: 39964066); A different missense change at this residue p.(R594H) has been reported as pathogenic in the published literature and at GeneDx in association with TRPV4-related disorders (PMID: 19232556, 20503319, 28687525, 24644033); Not observed at significant frequency in large population cohorts (gnomAD); In silico analysis supports that this missense variant has a deleterious effect on protein structure/function; This variant is associated with the following publications: (PMID: 19232556, 20503319, 28687525, 24644033, 39964066, 38702915)

Literature cited by the submitters: PubMed 38702915 (cited by Labcorp Genetics (formerly Invitae), Labcorp); PubMed 19232556 (cited by Labcorp Genetics (formerly Invitae), Labcorp); PubMed 20503319 (cited by Labcorp Genetics (formerly Invitae), Labcorp); PubMed 20577006 (cited by Labcorp Genetics (formerly Invitae), Labcorp).